The following is an entry in ClinVar:

NM_020923.3(ZDBF2):c.4302G>T (p.Leu1434Phe)

Gene: ZDBF2 (zinc finger DBF-type containing 2; plus strand). Cytogenetic location: 2q33.3.
Variant type: single nucleotide variant.
Coding change: c.4302G>T on transcript NM_020923.3 (MANE Select); coding-DNA position 4302, G replaced by T.
Protein change: p.Leu1434Phe; replaces leucine 1434 with phenylalanine.
Molecular consequence: missense variant.
Genome position (GRCh38, 1-based): chr2:206,308,830, G>T. VCF-style: chr2-206308830-G-T. GRCh37 (hg19) VCF-style: chr2-207173554-G-T.
Other names: c.4296G>T, p.Leu1432Phe (NM_001285549.2); c.4302G>T, p.Leu1434Phe (NM_001369654.1); short protein forms L1432F, L1434F.
Identifiers: ClinVar variation 1953179 (VCV001953179.6), dbSNP rs372608561, ClinGen allele CA2072266.

ClinVar aggregate classification (germline): Uncertain significance. Review status: criteria provided, multiple submitters, no conflicts (2 of 4 stars). 2 submissions from 2 submitters: Uncertain significance (2). Last evaluated 2022-06-24.

Allele frequency attached by ClinVar (database versions not stated): gnomAD 0.00001; gnomAD exomes 0.00001; TOPMed 0.00002; ExAC 0.00004; ESP Exome Variant Server 0.00008.
gnomAD v4.1: 24 of 1,613,638 alleles (0.0015%); highest among the groups gnomAD compares: Admixed American, 0.012%; no homozygotes.

Submissions (2):

Ambry Genetics
Classification: Uncertain significance. Last evaluated: 2022-06-24. Review status: criteria provided, single submitter. Criteria: Ambry Variant Classification Scheme 2023. Collection method: clinical testing. Allele origin: germline.

Labcorp Genetics (formerly Invitae), Labcorp
Classification: Uncertain significance. Last evaluated: 2022-05-05. Review status: criteria provided, single submitter. Criteria: Invitae Variant Classification Sherloc (09022015). Collection method: clinical testing. Allele origin: germline.
Comment: This variant is present in population databases (rs372608561, gnomAD 0.01%). In summary, the available evidence is currently insufficient to determine the role of this variant in disease. Therefore, it has been classified as a Variant of Uncertain Significance. Algorithms developed to predict the effect of missense changes on protein structure and function output the following: SIFT: "Deleterious"; PolyPhen-2: "Benign"; Align-GVGD: "Class C0". The phenylalanine amino acid residue is found in multiple mammalian species, which suggests that this missense change does not adversely affect protein function. This variant has not been reported in the literature in individuals affected with ZDBF2-related conditions. This sequence change replaces leucine, which is neutral and non-polar, with phenylalanine, which is neutral and non-polar, at codon 1434 of the ZDBF2 protein (p.Leu1434Phe).